The following is an entry in ClinVar:

NM_000548.5(TSC2):c.4163C>G (p.Ser1388Cys)

Gene: TSC2 (TSC complex subunit 2; plus strand). Cytogenetic location: 16p13.3.
Variant type: single nucleotide variant.
Coding change: c.4163C>G on transcript NM_000548.5 (MANE Select); coding-DNA position 4163, C replaced by G.
Protein change: p.Ser1388Cys; replaces serine 1388 with cysteine.
Molecular consequence: missense variant. On other transcripts: non-coding transcript variant (5).
Genome position (GRCh38, 1-based): chr16:2,084,385, C>G. VCF-style: chr16-2084385-C-G. GRCh37 (hg19) VCF-style: chr16-2134386-C-G.
Other names: c.3962C>G, p.Ser1321Cys (NM_001077183.3); c.4094C>G, p.Ser1365Cys (NM_001114382.3); c.3854C>G, p.Ser1285Cys (NM_001318827.2); c.3818C>G, p.Ser1273Cys (NM_001318829.2); c.3431C>G, p.Ser1144Cys (NM_001318831.2); c.3995C>G, p.Ser1332Cys (NM_001318832.2); c.3965C>G, p.Ser1322Cys (NM_001363528.2); c.4031C>G, p.Ser1344Cys (NM_001370404.1); and 26 more; short protein forms S1121C, S1168C, S1284C, S1344C, S1364C, S1387C, S1388C, S1144C.
Identifiers: ClinVar variation 3974658 (VCV003974658.1).
Genomic context (GRCh38, chr16:2,084,385, plus strand): 5'-GCCGGCCCTCTGTGGACCTCTCCTTCCAGCCCTCGCAGCCCCTGAGCAAGTCCAGCTCCT[C>G]TCCCGAGCTGCAGACTCTGCAGGACATCCTCGGGGACCCTGGGGACAAGGCCGACGTGGG-3'
Protein context (NP_000539.2, residues 1378-1398): PSQPLSKSSS[Ser1388Cys]PELQTLQDIL

ClinVar aggregate classification (germline): Uncertain significance (1 of 4 stars; one submission).

Conditions:
Hereditary cancer-predisposing syndrome. Also called: Tumor predisposition; Hereditary neoplastic syndrome; Hereditary Cancer Syndrome; Neoplastic Syndromes, Hereditary. Identifiers: Orphanet 140162, MedGen C0027672, MeSH D009386, MONDO:0015356.

gnomAD v4.1: 1 of 1,612,388 alleles (0.000062%); highest among the groups gnomAD compares: Non-Finnish European, 0.000085%; no homozygotes.

Submission:

Ambry Genetics
Classification: Uncertain significance for Hereditary cancer-predisposing syndrome. Last evaluated: 2025-04-18. Review status: criteria provided, single submitter. Criteria: Ambry Variant Classification Scheme 2023. Collection method: clinical testing. Allele origin: germline.
Comment: The p.S1388C variant (also known as c.4163C>G), located in coding exon 33 of the TSC2 gene, results from a C to G substitution at nucleotide position 4163. The serine at codon 1388 is replaced by cysteine, an amino acid with dissimilar properties. This amino acid position is conserved. In addition, this alteration is predicted to be deleterious by in silico analysis. Based on the available evidence, the clinical significance of this variant remains unclear.